The following is an entry in ClinVar:

ClinVar aggregate classification (germline): Uncertain significance. Review status: criteria provided, single submitter (1 of 4 stars). 2 submissions from 1 submitter: Uncertain significance (2). Last evaluated 2019-12-31.

Conditions:
Pheochromocytoma. Also called: MAX-Related Hereditary Paraganglioma-Pheochromocytoma Syndrome. Identifiers: Orphanet 29072, MedGen C0031511, MONDO:0008233, OMIM 171300, HP:0002666.
Pheochromocytoma/paraganglioma syndrome 1. Also called: PARAGANGLIOMAS, FAMILIAL NONCHROMAFFIN, 1; PGL 1; Paragangliomas familial 1; Paragangliomas 1; PARAGANGLIOMATA; Paraganglioma - glomus jugulare. Identifiers: Orphanet 29072, MedGen C3494181, MONDO:0008192, OMIM 168000.
Carney-Stratakis syndrome. Also called: PARAGANGLIOMA AND GASTROINTESTINAL STROMAL TUMOR. Identifiers: Orphanet 97286, MedGen C1847319, MONDO:0011740, OMIM 606864.
Cowden syndrome 3 (CWS3). Identifiers: Orphanet 201, MedGen CN166604, MONDO:0014045.
Paragangliomas with sensorineural hearing loss. Identifiers: MedGen C1868633.

Submissions (2):

Labcorp Genetics (formerly Invitae), Labcorp
Classification: Uncertain significance for Paraganglioma and gastric stromal sarcoma; Paragangliomas 1; Pheochromocytoma; Cowden syndrome 3. Last evaluated: 2019-12-31. Review status: criteria provided, single submitter. Criteria: Invitae Variant Classification Sherloc (09022015). Collection method: clinical testing. Allele origin: germline.
Comment: This variant results in a copy number gain of the genomic region encompassing exons 2-4 of the SDHD gene. The 5' boundary is likely confined to intron 2. The 3' end of this event is unknown as it extends beyond the assayed region for this gene and therefore may encompass additional genes. As the precise location of this event is unknown, it may be in tandem or it may be located elsewhere in the genome. This variant has not been reported in the literature in individuals with SDHD-related conditions. Experimental studies and prediction algorithms are not available or were not evaluated, and the functional significance of this variant is currently unknown. In summary, the available evidence is currently insufficient to determine the role of this variant in disease. Therefore, it has been classified as a Variant of Uncertain Significance.

Labcorp Genetics (formerly Invitae), Labcorp
Classification: Uncertain significance for Carney-Stratakis syndrome; Paragangliomas with sensorineural hearing loss; Pheochromocytoma; Cowden syndrome 3. Last evaluated: 2019-12-29. Review status: criteria provided, single submitter. Criteria: Invitae Variant Classification Sherloc (09022015). Collection method: clinical testing. Allele origin: germline.
Comment: This variant has not been reported in the literature in individuals with SDHD-related conditions. This variant results in a copy number gain of the genomic region encompassing exons 2-4 of the SDHD gene. The 5' boundary is likely confined to intron 2. The 3' end of this event is unknown as it extends beyond the assayed region for this gene and therefore may encompass additional genes. As the precise location of this event is unknown, it may be in tandem or it may be located elsewhere in the genome. Experimental studies and prediction algorithms are not available or were not evaluated, and the functional significance of this variant is currently unknown. In summary, the available evidence is currently insufficient to determine the role of this variant in disease. Therefore, it has been classified as a Variant of Uncertain Significance.

NC_000011.10:g.(?_112087802)_(112094970_?)dup

Gene: SDHD (succinate dehydrogenase complex subunit D; plus strand). Cytogenetic location: 11q23.1.
Variant type: Duplication.
Identifiers: ClinVar variation 833131 (VCV000833131.7).